The following is an entry in ClinVar:

NM_014112.5(TRPS1):c.127G>T (p.Val43Leu)

Gene: TRPS1 (transcriptional repressor GATA binding 1; minus strand). Cytogenetic location: 8q23.3.
Variant type: single nucleotide variant.
Coding change: c.127G>T on transcript NM_014112.5 (MANE Select); coding-DNA position 127, G replaced by T.
Protein change: p.Val43Leu; replaces valine 43 with leucine.
Molecular consequence: missense variant.
Genome position (GRCh38, 1-based): chr8:115,619,971, C>A on the plus strand (G>T on the coding strand, the complement: TRPS1 is on the minus strand). VCF-style: chr8-115619971-C-A. GRCh37 (hg19) VCF-style: chr8-116632198-C-A.
Other names: c.100G>T, p.Val34Leu (NM_001282902.3); c.106G>T, p.Val36Leu (NM_001282903.3); c.88G>T, p.Val30Leu (NM_001330599.2); short protein forms V30L, V34L, V36L, V43L.
Identifiers: ClinVar variation 1306341 (VCV001306341.2), dbSNP rs2130533969, ClinGen allele CA372070323.
Genomic context (GRCh38, chr8:115,619,971, plus strand): 5'-CACTCTGATCCGTATTTTCTGACATCTGATCTGCAGAAAATTCTTTGTTCTTTCCAGATA[C>A]CTTGCTTTCTGTACCTATAGGCTCCAGGATCTGGCCCTCGCCTTCACTTGCAACGTTTCT-3'
Protein context (NP_054831.2, residues 33-53): ILEPIGTESK[Val43Leu]SGKNKEFSAD

ClinVar aggregate classification (germline): Uncertain significance (1 of 4 stars; one submission).

gnomAD v4.1: 1 of 1,614,176 alleles (0.000062%); highest among the groups gnomAD compares: South Asian, 0.0011%; no homozygotes.

Submission:

GeneDx
Classification: Uncertain significance. Last evaluated: 2019-06-11. Review status: criteria provided, single submitter. Criteria: GeneDx Variant Classification Process June 2021. Collection method: clinical testing. Allele origin: germline. Affected: yes.
Comment: Not observed in large population cohorts (Lek et al., 2016); In silico analysis, which includes protein predictors and evolutionary conservation, supports a deleterious effect; Has not been previously published as pathogenic or benign to our knowledge